The following is an entry in ClinVar:

ClinVar aggregate classification (germline): Benign (3 of 4 stars; one submission).

Conditions:
Breast-ovarian cancer, familial, susceptibility to, 2 (BROVCA2). Also called: BRCA2 Hereditary Breast and Ovarian Cancer. Identifiers: Orphanet 145, MedGen C2675520, MONDO:0012933, OMIM 612555. Disease mechanism: loss of function.

Allele frequency attached by ClinVar (database versions not stated): 1000 Genomes Project 30x 0.00390; TOPMed 0.00394; gnomAD 0.00358 and 0.00388; 1000 Genomes Project 0.00379.
gnomAD v4.1: 535 of 152,064 alleles (0.35%); highest among the groups gnomAD compares: African/African-American, 1.3%; 2 homozygotes.

Submission:

Evidence-based Network for the Interpretation of Germline Mutant Alleles (ENIGMA)
Classification: Benign for Breast-ovarian cancer, familial, susceptibility to, 2. Last evaluated: 2016-09-28. Review status: reviewed by expert panel. Criteria: ENIGMA BRCA1/2 Classification Criteria (2015). Collection method: curation. Allele origin: germline.
Comment: Class 1 not pathogenic based on frequency >1% in an outbred sampleset. Frequency 0.0136 (African), derived from 1000 genomes (2013-05-02).

NM_000059.4(BRCA2):c.9256+3595T>C

Gene: BRCA2 (BRCA2 DNA repair associated; plus strand). Cytogenetic location: 13q13.1.
Variant type: single nucleotide variant.
Coding change: c.9256+3595T>C on transcript NM_000059.4 (MANE Select); 3595 bases into the intron after coding-DNA position 9256, T replaced by C.
Molecular consequence: intron variant.
Genome position (GRCh38, 1-based): chr13:32,383,740, T>C. VCF-style: chr13-32383740-T-C. GRCh37 (hg19) VCF-style: chr13-32957877-T-C.
Identifiers: ClinVar variation 264890 (VCV000264890.1), dbSNP rs11571784, ClinGen allele CA10588159.